The following is an entry in ClinVar:

NM_000465.4(BARD1):c.1569-20dup

Gene: BARD1 (BRCA1 associated RING domain 1; minus strand). Cytogenetic location: 2q35.
Variant type: Duplication.
Coding change: c.1569-20dup on transcript NM_000465.4 (MANE Select); 20 bases into the intron before coding-DNA position 1569, one base duplicated (A; older notation c.1569-20dupA).
Molecular consequence: intron variant.
Genome position (GRCh38, 1-based): chr2:214,752,575, T duplicated on the plus strand (A on the coding strand, the reverse complement: BARD1 is on the minus strand). VCF-style (leftmost placement, unchanged base first): chr2-214752574-A-AT. GRCh37 (hg19) VCF-style: chr2-215617298-A-AT.
Other names: c.159-20dup (NM_001282548.2); c.1512-20dup (NM_001282543.2); c.216-20dup (NM_001282545.2); c.365-22067dup (NM_001282549.2).
Identifiers: ClinVar variation 1616973 (VCV001616973.10), dbSNP rs1693510645, ClinGen allele CA1327057424.
Genomic context (GRCh38, chr2:214,752,574, plus strand): 5'-TCATCATCTGTATAATCGACAGGCCGCAGACCAAATATATTACTGGTAAAATAAGTGCAG[A>AT]TGTGTTTAAGTAAGTCAAATGTGTGACTCGACTCAATTTTTCAACATCCTTAATAATATA-3'

ClinVar aggregate classification (germline): Benign/Likely benign. Review status: criteria provided, multiple submitters, no conflicts (2 of 4 stars). 2 submissions from 2 submitters: Benign (1); Likely benign (1). Last evaluated 2025-11-05.

Conditions:
Familial cancer of breast. Also called: hereditary breast carcinoma; Hereditary breast cancer; BREAST CANCER, FAMILIAL. Identifiers: Orphanet 227535, MedGen C0346153, MONDO:0016419, OMIM 114480. Disease mechanism: loss of function.

Allele frequency attached by ClinVar (database versions not stated): gnomAD exomes below 0.00001.

Submissions (2):

Labcorp Genetics (formerly Invitae), Labcorp
Classification: Likely benign for Familial cancer of breast. Last evaluated: 2025-11-05. Review status: criteria provided, single submitter. Criteria: Invitae Variant Classification Sherloc (09022015). Collection method: clinical testing. Allele origin: germline.

Myriad Genetics, Inc.
Classification: Benign for Familial cancer of breast. Last evaluated: 2024-07-25. Review status: criteria provided, single submitter. Criteria: Myriad Autosomal Dominant, Autosomal Recessive and X-Linked Classification Criteria (2023). Collection method: clinical testing. Allele origin: unknown.
Comment: This variant is considered benign. This variant is intronic and is not expected to impact mRNA splicing.